The following is an entry in ClinVar:

ClinVar aggregate classification (germline): Uncertain significance (1 of 4 stars; one submission).

Submission:

Labcorp Genetics (formerly Invitae), Labcorp
Classification: Uncertain significance. Last evaluated: 2020-12-08. Review status: criteria provided, single submitter. Criteria: Invitae Variant Classification Sherloc (09022015). Collection method: clinical testing. Allele origin: germline.
Comment: In summary, the available evidence is currently insufficient to determine the role of this variant in disease. Therefore, it has been classified as a Variant of Uncertain Significance. Algorithms developed to predict the effect of missense changes on protein structure and function (SIFT, PolyPhen-2, Align-GVGD) all suggest that this variant is likely to be tolerated, but these predictions have not been confirmed by published functional studies and their clinical significance is uncertain. This variant has not been reported in the literature in individuals with PLXNA2-related conditions. This variant is not present in population databases (ExAC no frequency). This sequence change replaces serine with glycine at codon 843 of the PLXNA2 protein (p.Ser843Gly). The serine residue is moderately conserved and there is a small physicochemical difference between serine and glycine.

NM_025179.4(PLXNA2):c.2527A>G (p.Ser843Gly)

Gene: PLXNA2 (plexin A2; minus strand). Cytogenetic location: 1q32.2.
Variant type: single nucleotide variant.
Coding change: c.2527A>G on transcript NM_025179.4 (MANE Select); coding-DNA position 2527, A replaced by G.
Protein change: p.Ser843Gly; replaces serine 843 with glycine.
Molecular consequence: missense variant.
Genome position (GRCh38, 1-based): chr1:208,079,319, T>C on the plus strand (A>G on the coding strand, the complement: PLXNA2 is on the minus strand). VCF-style: chr1-208079319-T-C. GRCh37 (hg19) VCF-style: chr1-208252664-T-C.
Other names: short protein forms S843G.
Identifiers: ClinVar variation 1492292 (VCV001492292.8), dbSNP rs2102381402, ClinGen allele CA344553597.